The following is an entry in ClinVar:

ClinVar aggregate classification (germline): Conflicting classifications of pathogenicity. Review status: criteria provided, conflicting classifications (1 of 4 stars). 3 submissions from 3 submitters: Uncertain significance (1); Likely benign (2). Last evaluated 2024-10-21.

Allele frequency attached by ClinVar (database versions not stated): ExAC 0.00008; gnomAD 0.00008 and 0.00009; gnomAD exomes 0.00008; TOPMed 0.00009; 1000 Genomes Project 0.00020; 1000 Genomes Project 30x 0.00031; ESP Exome Variant Server 0.00031.
gnomAD v4.1: 219 of 1,614,178 alleles (0.014%); highest among the groups gnomAD compares: Non-Finnish European, 0.017%; no homozygotes.

Submissions (3):

Blueprint Genetics
Classification: Likely benign. Last evaluated: 2024-10-21. Review status: criteria provided, single submitter. Criteria: ACMG Guidelines, 2015. Collection method: clinical testing. Allele origin: germline.

Labcorp Genetics (formerly Invitae), Labcorp
Classification: Likely benign. Last evaluated: 2024-05-08. Review status: criteria provided, single submitter. Criteria: Invitae Variant Classification Sherloc (09022015). Collection method: clinical testing. Allele origin: germline.

GeneDx
Classification: Uncertain significance. Last evaluated: 2022-06-01. Review status: criteria provided, single submitter. Criteria: GeneDx Variant Classification Process June 2021. Collection method: clinical testing. Allele origin: germline. Affected: yes.
Comment: In silico analysis supports that this variant does not alter splicing; Has not been previously published as pathogenic or benign to our knowledge

NM_031475.3(ESPN):c.2406-4C>T

Gene: ESPN (espin; plus strand). Cytogenetic location: 1p36.31.
Variant type: single nucleotide variant.
Coding change: c.2406-4C>T on transcript NM_031475.3 (MANE Select); 4 bases into the intron before coding-DNA position 2406, C replaced by T.
Molecular consequence: intron variant.
Genome position (GRCh38, 1-based): chr1:6,457,357, C>T. VCF-style: chr1-6457357-C-T. GRCh37 (hg19) VCF-style: chr1-6517417-C-T.
Other names: c.2343-4C>T (NM_001367474.1); c.2316-4C>T (NM_001367473.1).
Identifiers: ClinVar variation 1304514 (VCV001304514.8), dbSNP rs148975469, ClinGen allele CA560495.